The following is an entry in ClinVar:

ClinVar aggregate classification (germline): Conflicting classifications of pathogenicity. Review status: criteria provided, conflicting classifications (1 of 4 stars). 5 submissions from 4 submitters: Uncertain significance (1); Benign (2); Likely benign (2). Last evaluated 2026-02-02.

Conditions:
MFRP-related disorder. Also called: MFRP-related condition; MFRP-related disorders.
Isolated microphthalmia 5. Also called: Posterior Microphthalmia with Retinitis Pigmentosa, Foveoschisis, and Optic Disc Drusen. Identifiers: Orphanet 251279, MedGen C1970236, MONDO:0012605, OMIM 611040.
Late-onset retinal degeneration (LORD). Also called: RETINAL DEGENERATION, LATE-ONSET, AUTOSOMAL DOMINANT. Identifiers: Orphanet 67042, MedGen C1854065, MONDO:0011579, OMIM 605670. Disease mechanism: loss of function.

Allele frequency attached by ClinVar (database versions not stated): ExAC 0.00095; gnomAD 0.00238 and 0.00264; TOPMed 0.00320; 1000 Genomes Project 0.00280; 1000 Genomes Project 30x 0.00297; ESP Exome Variant Server 0.00393.
gnomAD v4.1: 772 of 1,613,906 alleles (0.048%); highest among the groups gnomAD compares: African/African-American, 0.93%; 4 homozygotes.

Submissions (5):

Labcorp Genetics (formerly Invitae), Labcorp
Classification: Benign for Isolated microphthalmia 5. Last evaluated: 2026-02-02. Review status: criteria provided, single submitter. Criteria: Invitae Variant Classification Sherloc (09022015). Collection method: clinical testing. Allele origin: germline.

Blueprint Genetics
Classification: Likely benign. Last evaluated: 2024-11-26. Review status: criteria provided, single submitter. Criteria: ACMG Guidelines, 2015. Collection method: clinical testing. Allele origin: germline.

PreventionGenetics, part of Exact Sciences
Classification: Benign for MFRP-related condition. Last evaluated: 2024-11-17. Review status: criteria provided, single submitter. Criteria: ACMG Guidelines, 2015. Collection method: clinical testing. Allele origin: germline.
Comment: This variant is classified as benign based on ACMG/AMP sequence variant interpretation guidelines (Richards et al. 2015 PMID: 25741868, with internal and published modifications).

Illumina Laboratory Services, Illumina
Classification: Uncertain significance for Isolated microphthalmia 5. Last evaluated: 2018-01-13. Review status: criteria provided, single submitter. Criteria: ICSL Variant Classification Criteria 13 December 2019. Collection method: clinical testing. Allele origin: germline.

Illumina Laboratory Services, Illumina
Classification: Likely benign for Late-onset retinal degeneration. Last evaluated: 2018-01-13. Review status: criteria provided, single submitter. Criteria: ICSL Variant Classification Criteria 13 December 2019. Collection method: clinical testing. Allele origin: germline.
Comment: This variant was observed in the ICSL laboratory as part of a predisposition screen in an ostensibly healthy population. It had not been previously curated by ICSL or reported in the Human Gene Mutation Database (HGMD: prior to June 1st, 2018), and was therefore a candidate for classification through an automated scoring system. Utilizing variant allele frequency, disease prevalence and penetrance estimates, and inheritance mode, an automated score was calculated to assess if this variant is too frequent to cause the disease. Based on the score and internal cut-off values, a variant classified as likely benign is not then subjected to further curation. The score for this variant resulted in a classification of likely benign for this disease.

NM_031433.4(MFRP):c.773-8A>C

Genes: C1QTNF5 (C1q and TNF related 5; minus strand), MFRP (membrane frizzled-related protein; minus strand). Cytogenetic location: 11q23.3.
Variant type: single nucleotide variant.
Coding change: c.773-8A>C on transcript NM_031433.4 (MANE Select); 8 bases into the intron before coding-DNA position 773, A replaced by C.
Molecular consequence: intron variant.
Genome position (GRCh38, 1-based): chr11:119,344,765, T>G on the plus strand (A>C on the coding strand, the complement: MFRP is on the minus strand). VCF-style: chr11-119344765-T-G. GRCh37 (hg19) VCF-style: chr11-119215475-T-G.
Other names: c.-1864-8A>C (NM_015645.5).
Identifiers: ClinVar variation 302966 (VCV000302966.21), dbSNP rs143891457, ClinGen allele CA6320397.
Genomic context (GRCh38, chr11:119,344,765, plus strand): 5'-AGGTAGCAGGCAGATGAGCTGGTCACAGCGGAACTCATCATGGGCACAGCTCCCTGGATG[T>G]GGGCACCAGGAGTCAGGGAGGCCCGGAGTCTCCACCCCTTTGACAGGACTGGGAGTGGGT-3'